The following is an entry in ClinVar:

ClinVar aggregate classification (germline): Uncertain significance (1 of 4 stars; one submission).

Conditions:
Cardiovascular phenotype. Identifiers: MedGen CN230736.

Submission:

Ambry Genetics
Classification: Uncertain significance for Cardiovascular phenotype. Last evaluated: 2024-10-28. Review status: criteria provided, single submitter. Criteria: Ambry Variant Classification Scheme 2023. Collection method: clinical testing. Allele origin: germline.
Comment: The p.N815H variant (also known as c.2443A>C), located in coding exon 15 of the SCN10A gene, results from an A to C substitution at nucleotide position 2443. The asparagine at codon 815 is replaced by histidine, an amino acid with similar properties. This amino acid position is conserved. In addition, this alteration is predicted to be tolerated by in silico analysis. Based on the available evidence, the clinical significance of this variant remains unclear.

NM_006514.4(SCN10A):c.2443A>C (p.Asn815His)

Gene: SCN10A (sodium voltage-gated channel alpha subunit 10; minus strand). Cytogenetic location: 3p22.2.
Variant type: single nucleotide variant.
Coding change: c.2443A>C on transcript NM_006514.4 (MANE Select); coding-DNA position 2443, A replaced by C.
Protein change: p.Asn815His; replaces asparagine 815 with histidine.
Molecular consequence: missense variant.
Genome position (GRCh38, 1-based): chr3:38,728,739, T>G on the plus strand (A>C on the coding strand, the complement: SCN10A is on the minus strand). VCF-style: chr3-38728739-T-G. GRCh37 (hg19) VCF-style: chr3-38770230-T-G.
Other names: c.2443A>C, p.Asn815His (NM_001293306.2); c.2149A>C, p.Asn717His (NM_001293307.2); short protein forms N815H, N717H.
Identifiers: ClinVar variation 3438136 (VCV003438136.1).